The following is an entry in ClinVar:

NM_004655.4(AXIN2):c.2142-14G>A

Gene: AXIN2 (axin 2; minus strand). Cytogenetic location: 17q24.1.
Variant type: single nucleotide variant.
Coding change: c.2142-14G>A on transcript NM_004655.4 (MANE Select); 14 bases into the intron before coding-DNA position 2142, G replaced by A.
Molecular consequence: intron variant.
Genome position (GRCh38, 1-based): chr17:65,535,735, C>T on the plus strand (G>A on the coding strand, the complement: AXIN2 is on the minus strand). VCF-style: chr17-65535735-C-T. GRCh37 (hg19) VCF-style: chr17-63531853-C-T.
Other names: c.1947-14G>A (NM_001363813.1).
Identifiers: ClinVar variation 3676171 (VCV003676171.3).
Genomic context (GRCh38, chr17:65,535,735, plus strand): 5'-CAGTGGCCGAATGATTCCTGTCCCTCTGCTGACTGGCCACACAGCACCTGAGGACACAGC[C>T]AGGGCGAGGGATTTAGAGGTACACTGTTGTCCCCAGAGCAATTGAAAAGCAGACAGAAAA-3'

ClinVar aggregate classification (germline): Uncertain significance. Review status: criteria provided, multiple submitters, no conflicts (2 of 4 stars). 2 submissions from 2 submitters: Uncertain significance (2). Last evaluated 2025-12-29.

Conditions:
Oligodontia-cancer predisposition syndrome. Also called: TOOTH AGENESIS-COLORECTAL CANCER SYNDROME. Identifiers: Orphanet 300576, MedGen C1837750, MONDO:0012075, OMIM 608615. Disease mechanism: loss of function.

Submissions (2):

Center for Genomic Medicine, Rigshospitalet, Copenhagen University Hospital
Classification: Uncertain significance. Last evaluated: 2025-12-29. Review status: criteria provided, single submitter. Criteria: ACMG Guidelines, 2015. Collection method: clinical testing. Allele origin: germline.

Labcorp Genetics (formerly Invitae), Labcorp
Classification: Uncertain significance for Oligodontia-cancer predisposition syndrome. Last evaluated: 2024-03-26. Review status: criteria provided, single submitter. Criteria: Invitae Variant Classification Sherloc (09022015). Collection method: clinical testing. Allele origin: germline.
Comment: This sequence change falls in intron 8 of the AXIN2 gene. It does not directly change the encoded amino acid sequence of the AXIN2 protein. This variant is not present in population databases (gnomAD no frequency). This variant has not been reported in the literature in individuals affected with AXIN2-related conditions. Algorithms developed to predict the effect of sequence changes on RNA splicing suggest that this variant may disrupt the consensus splice site. In summary, the available evidence is currently insufficient to determine the role of this variant in disease. Therefore, it has been classified as a Variant of Uncertain Significance.